The following is an entry in ClinVar:

NM_000240.4(MAOA):c.287G>A (p.Arg96His)

Gene: MAOA (monoamine oxidase A; plus strand). Cytogenetic location: Xp11.3.
Variant type: single nucleotide variant.
Coding change: c.287G>A on transcript NM_000240.4 (MANE Select); coding-DNA position 287, G replaced by A.
Protein change: p.Arg96His; replaces arginine 96 with histidine.
Molecular consequence: missense variant. On other transcripts: 5 prime UTR variant (1).
Genome position (GRCh38, 1-based): chrX:43,693,409, G>A. VCF-style: chrX-43693409-G-A. GRCh37 (hg19) VCF-style: chrX-43552656-G-A.
Other names: c.-113G>A (NM_001270458.2); short protein forms R96H.
Identifiers: ClinVar variation 4803321 (VCV004803321.1).

ClinVar aggregate classification (germline): Uncertain significance (1 of 4 stars; one submission).

Conditions:
Brunner syndrome (BRNRS). Identifiers: Orphanet 3057, MedGen C0796275, MONDO:0010379, OMIM 300615.

gnomAD v4.1: 3 of 1,210,737 alleles (0.00025%); highest among the groups gnomAD compares: Admixed American, 0.0022%; no homozygotes.

Submission:

Labcorp Genetics (formerly Invitae), Labcorp
Classification: Uncertain significance for Brunner syndrome. Last evaluated: 2025-05-04. Review status: criteria provided, single submitter. Criteria: Invitae Variant Classification Sherloc (09022015). Collection method: clinical testing. Allele origin: germline.
Comment: This sequence change replaces arginine, which is basic and polar, with histidine, which is basic and polar, at codon 96 of the MAOA protein (p.Arg96His). This variant is present in population databases (rs769511910, gnomAD 0.008%). This variant has not been reported in the literature in individuals affected with MAOA-related conditions. Invitae Evidence Modeling of protein sequence and biophysical properties (such as structural, functional, and spatial information, amino acid conservation, physicochemical variation, residue mobility, and thermodynamic stability) indicates that this missense variant is not expected to disrupt MAOA protein function with a negative predictive value of 80%. In summary, the available evidence is currently insufficient to determine the role of this variant in disease. Therefore, it has been classified as a Variant of Uncertain Significance.